The following is an entry in ClinVar:

NM_000642.3(AGL):c.437G>T (p.Arg146Ile)

Gene: AGL (amylo-alpha-1,6-glucosidase and 4-alpha-glucanotransferase; plus strand). Cytogenetic location: 1p21.2.
Variant type: single nucleotide variant.
Coding change: c.437G>T on transcript NM_000642.3 (MANE Select); coding-DNA position 437, G replaced by T.
Protein change: p.Arg146Ile; replaces arginine 146 with isoleucine.
Molecular consequence: missense variant.
Genome position (GRCh38, 1-based): chr1:99,862,400, G>T. VCF-style: chr1-99862400-G-T. GRCh37 (hg19) VCF-style: chr1-100327956-G-T.
Other names: c.437G>T, p.Arg146Ile (NM_000028.3, NM_000643.3, NM_000644.3 and 5 more transcripts); c.389G>T, p.Arg130Ile (NM_000646.3); short protein forms R130I, R146I.
Identifiers: ClinVar variation 1960835 (VCV001960835.5), dbSNP rs2524499484, ClinGen allele CA341332657.

ClinVar aggregate classification (germline): Uncertain significance (1 of 4 stars; one submission).

Conditions:
Glycogen storage disease type III (GSD3). Also called: FORBES DISEASE; Cori disease. Identifiers: Orphanet 366, MedGen C0017922, MONDO:0009291, OMIM 232400.

Submission:

Labcorp Genetics (formerly Invitae), Labcorp
Classification: Uncertain significance for Glycogen storage disease type III. Last evaluated: 2021-12-27. Review status: criteria provided, single submitter. Criteria: Invitae Variant Classification Sherloc (09022015). Collection method: clinical testing. Allele origin: germline.
Comment: In summary, the available evidence is currently insufficient to determine the role of this variant in disease. Therefore, it has been classified as a Variant of Uncertain Significance. Algorithms developed to predict the effect of missense changes on protein structure and function are either unavailable or do not agree on the potential impact of this missense change (SIFT: "Tolerated"; PolyPhen-2: "Possibly Damaging"; Align-GVGD: "Class C0"). This variant has not been reported in the literature in individuals affected with AGL-related conditions. This variant is not present in population databases (gnomAD no frequency). This sequence change replaces arginine, which is basic and polar, with isoleucine, which is neutral and non-polar, at codon 146 of the AGL protein (p.Arg146Ile).